The following is an entry in ClinVar:

NM_001267550.2(TTN):c.64973-1G>C

Genes: TTN (titin; minus strand), TTN-AS1 (TTN antisense RNA 1; plus strand). Cytogenetic location: 2q31.2.
Variant type: single nucleotide variant.
Coding change: c.64973-1G>C on transcript NM_001267550.2 (MANE Select); the canonical splice acceptor site of the intron before coding-DNA position 64973, G replaced by C.
Molecular consequence: splice acceptor variant. On other transcripts: non-coding transcript variant (1).
Genome position (GRCh38, 1-based): chr2:178,584,579, C>G on the plus strand (G>C on the coding strand, the complement: TTN is on the minus strand). VCF-style: chr2-178584579-C-G. GRCh37 (hg19) VCF-style: chr2-179449306-C-G.
Other names: c.37778-1G>C (NM_003319.4); c.38354-1G>C (NM_133437.4); c.38153-1G>C (NM_133432.3); c.57269-1G>C (NM_133378.4); c.60050-1G>C (NM_001256850.1).
Identifiers: ClinVar variation 1516770 (VCV001516770.8), dbSNP rs2154179915, ClinGen allele CA349435999.

ClinVar aggregate classification (germline): Likely pathogenic (1 of 4 stars; one submission).

Conditions:
Dilated cardiomyopathy 1G (CMD1G). Identifiers: Orphanet 154, MedGen C1858763, MONDO:0011400, OMIM 604145.
Autosomal recessive limb-girdle muscular dystrophy type 2J (LGMDR10). Also called: Limb-girdle muscular dystrophy, type 2J; MUSCULAR DYSTROPHY, LIMB-GIRDLE, AUTOSOMAL RECESSIVE 10. Identifiers: Orphanet 140922, MedGen C1837342, MONDO:0012127, OMIM 608807.

Submission:

Labcorp Genetics (formerly Invitae), Labcorp
Classification: Likely pathogenic for Dilated cardiomyopathy 1G; Autosomal recessive limb-girdle muscular dystrophy type 2J. Last evaluated: 2021-06-14. Review status: criteria provided, single submitter. Criteria: Invitae Variant Classification Sherloc (09022015). Collection method: clinical testing. Allele origin: germline.
Comment: In summary, the currently available evidence indicates that the variant is pathogenic, but additional data are needed to prove that conclusively. Therefore, this variant has been classified as Likely Pathogenic. Algorithms developed to predict the effect of sequence changes on RNA splicing suggest that this variant may disrupt the consensus splice site, but this prediction has not been confirmed by published transcriptional studies. This variant has not been reported in the literature in individuals with TTN-related conditions. This variant is not present in population databases (ExAC no frequency). This sequence change affects an acceptor splice site in intron 310 of the TTN gene. It is expected to disrupt RNA splicing and likely results in a truncated or disrupted TTN protein. This variant is located in the A band of TTN (PMID: 25589632). Truncating variants in this region are significantly overrepresented in patients affected with dilated cardiomyopathy (PMID: 25589632). Truncating variants in this region have also been reported in individuals affected with autosomal recessive centronuclear myopathy (PMID: 23975875).

Literature cited by the submitters: PubMed 25589632; PubMed 23975875.